The following is an entry in ClinVar:

ClinVar aggregate classification (germline): Pathogenic. Review status: criteria provided, multiple submitters, no conflicts (2 of 4 stars). 5 submissions from 4 submitters: Pathogenic (2). 3 of the submissions do not count toward it. Last evaluated 2023-07-07.

Conditions:
Maturity-onset diabetes of the young (MODY). Also called: Maturity onset diabetes mellitus in young. Identifiers: Orphanet 552, MedGen C0342276, MONDO:0018911, HP:0004904.
Neonatal diabetes mellitus (NDM). Identifiers: Orphanet 224, MedGen C0158981, MONDO:0016391.
Hyperinsulinemic hypoglycemia, familial, 1 (HHF1). Also called: Persistent hyperinsulinemic hypoglycemia of infancy; Persistent Hyperinsulinemia Hypoglycemia of Infancy; HYPERINSULINISM, FAMILIAL, WITH PANCREATIC NESIDIOBLASTOSIS; HYPOGLYCEMIA, HYPERINSULINEMIC, OF INFANCY; NESIDIOBLASTOSIS OF PANCREAS. Identifiers: Orphanet 276575, Orphanet 276598, MedGen C2931832, MONDO:0009734, OMIM 256450.

Submissions (5):

Labcorp Genetics (formerly Invitae), Labcorp
Classification: Pathogenic. Last evaluated: 2023-07-07. Review status: criteria provided, single submitter. Criteria: Invitae Variant Classification Sherloc (09022015). Collection method: clinical testing. Allele origin: germline.
Comment: This variant is not present in population databases (gnomAD no frequency). For these reasons, this variant has been classified as Pathogenic. ClinVar contains an entry for this variant (Variation ID: 558438). This premature translational stop signal has been observed in individual(s) with ABCC8-related conditions (PMID: 16429405). This sequence change creates a premature translational stop signal (p.Ile450Serfs*44) in the ABCC8 gene. It is expected to result in an absent or disrupted protein product. Loss-of-function variants in ABCC8 are known to be pathogenic (PMID: 20685672, 23345197).

Genetic Services Laboratory, University of Chicago
Classification: Pathogenic. Last evaluated: 2020-08-07. Review status: criteria provided, single submitter. Criteria: ACMG Guidelines, 2015. Collection method: clinical testing. Allele origin: germline. Affected: yes.
Comment: This sequence change is a two base pair deletion in exon 9, c.1347_1348del. This sequence change results in an amino acid frameshift and creates a premature stop codon 43 amino acids downstream of the change, p.Ile450Serfs*44. This sequence change is predicted to result in an abnormal transcript, which may be degraded, or may lead to the production of a truncated ABCC8 protein with potentially abnormal function. This sequence change is absent from the large population databases such as ExAC and gnomAD. This sequence change has previously been described in a Diazoxide-responsive patient with CHI (PMID: 16429405).

Counsyl
Classification: Likely pathogenic for Hyperinsulinemic hypoglycemia, familial, 1. Last evaluated: 2018-05-22. Review status: no assertion criteria provided. Collection method: clinical testing. Allele origin: unknown. Not counted in ClinVar's aggregate classification.

Clinical Genomics, Uppaluri K&H Personalized Medicine Clinic
Classification: Uncertain risk allele for Maturity-onset diabetes of the young. Last evaluated: 2024-05-27. Review status: flagged submission. Criteria: K And H Uppaluri Personalized Medicine Clinic Variant Classification And Assertion Criteria Updated V 2. Collection method: research. Allele origin: unknown. Not counted in ClinVar's aggregate classification.
Comment: This variant is found to be a potent moderate impact variant with a sufficient scientific evidence to support gene-disease correlation. However, since this is not a high impact variant and has no variant evidence, this variant is reclassified as Uncertain Risk Allele
ClinVar note: Reason: Outlier claim with insufficient supporting evidence

Clinical Genomics, Uppaluri K&H Personalized Medicine Clinic
Classification: Uncertain risk allele for Neonatal diabetes mellitus. Last evaluated: 2024-05-27. Review status: flagged submission. Criteria: K And H Uppaluri Personalized Medicine Clinic Variant Classification And Assertion Criteria Updated V 2. Collection method: research. Allele origin: unknown. Not counted in ClinVar's aggregate classification.
Comment: This variant is found to be a potent moderate impact, variant with a sufficient scientific evidence of gene-disease correlation. However, since this is not a high impact variant and no variant evidence, this variant is reclassified as Uncertain risk allele.
ClinVar note: Reason: Outlier claim with insufficient supporting evidence

Literature cited by the submitters: PubMed 16429405 (cited by Labcorp Genetics (formerly Invitae), Labcorp and Counsyl); PubMed 20685672 (cited by Labcorp Genetics (formerly Invitae), Labcorp); PubMed 23345197 (cited by Labcorp Genetics (formerly Invitae), Labcorp); PubMed 31216263 (cited by Clinical Genomics, Uppaluri K&H Personalized Medicine Clinic); PubMed 38095268 (cited by Clinical Genomics, Uppaluri K&H Personalized Medicine Clinic); PubMed 38513803 (cited by Clinical Genomics, Uppaluri K&H Personalized Medicine Clinic); PubMed 32376986 (cited by Clinical Genomics, Uppaluri K&H Personalized Medicine Clinic); PubMed 20922570 (cited by Clinical Genomics, Uppaluri K&H Personalized Medicine Clinic); PubMed 17389331 (cited by Clinical Genomics, Uppaluri K&H Personalized Medicine Clinic); PubMed 17919176 (cited by Clinical Genomics, Uppaluri K&H Personalized Medicine Clinic); PubMed 21738553 (cited by Clinical Genomics, Uppaluri K&H Personalized Medicine Clinic); PubMed 33013711 (cited by Clinical Genomics, Uppaluri K&H Personalized Medicine Clinic).

NM_000352.6(ABCC8):c.1347_1348del (p.Ile450fs)

Gene: ABCC8 (ATP binding cassette subfamily C member 8; minus strand). Cytogenetic location: 11p15.1.
Variant type: Deletion.
Coding change: c.1347_1348del on transcript NM_000352.6 (MANE Select); coding-DNA positions 1347 to 1348, 2 bases deleted (GA; older notation c.1347_1348delGA).
Protein change: p.Ile450fs; shifts the reading frame from isoleucine 450.
Molecular consequence: frameshift variant. On other transcripts: non-coding transcript variant (1).
Genome position (GRCh38, 1-based): chr11:17,443,297-17,443,298, TC deleted on the plus strand (GA on the coding strand, the reverse complement: ABCC8 is on the minus strand). VCF-style (leftmost placement, unchanged base first): chr11-17443296-ATC-A. GRCh37 (hg19) VCF-style: chr11-17464843-ATC-A.
Other names: c.1347_1348del, p.Ile450fs (NM_001287174.3, NM_001351295.2); c.1344_1345del, p.Ile449fs (NM_001351296.2, NM_001351297.2); short protein forms I450fs, I449fs.
Identifiers: ClinVar variation 558438 (VCV000558438.15), dbSNP rs1554933565, ClinGen allele CA658821544.